The following is an entry in ClinVar:

NC_012920.1(MT-ND2):m.4733T>C

Gene: MT-ND2 (mitochondrially encoded NADH dehydrogenase 2; plus strand).
Variant type: single nucleotide variant.
Genome position: chrM-4733-T-C.
Identifiers: ClinVar variation 235579 (VCV000235579.3), dbSNP rs878853072, ClinGen allele CA10581365.

ClinVar aggregate classification (germline): Likely benign (1 of 4 stars; one submission).

Submission:

Center for Pediatric Genomic Medicine, Children's Mercy Hospital and Clinics
Classification: Likely benign. Last evaluated: 2015-05-29. Review status: criteria provided, single submitter. Criteria: ACMG Guidelines, 2015. Collection method: clinical testing. Allele origin: germline.
ClinVar note: Converted during submission from Likely Benign to Likely benign.